The following is an entry in ClinVar:

ClinVar aggregate classification (germline): Uncertain significance (1 of 4 stars; one submission).

Submission:

GeneDx
Classification: Uncertain significance. Last evaluated: 2025-10-26. Review status: criteria provided, single submitter. Criteria: GeneDx Variant Classification Process June 2021. Collection method: clinical testing. Allele origin: germline. Affected: yes.
Comment: Not observed at significant frequency in large population cohorts (gnomAD); Has not been previously published as pathogenic or benign to our knowledge; Reported using an alternate transcript of the gene; Canonical splice site variant in a gene for which loss of function is not an established mechanism of disease

NM_003011.4(SET):c.24_27del (p.Ser9fs)

Gene: SET (SET nuclear proto-oncogene; plus strand). Cytogenetic location: 9q34.11.
Variant type: Deletion.
Coding change: c.24_27del on transcript NM_003011.4 (MANE Select); coding-DNA positions 24 to 27, 4 bases deleted (CAGT; older notation c.24_27delCAGT).
Protein change: p.Ser9fs; shifts the reading frame from serine 9.
Molecular consequence: frameshift variant. On other transcripts: intron variant (3).
Genome position (GRCh38, 1-based): chr9:128,689,606-128,689,609, CAGT deleted; deleting any 4 consecutive bases within chr9:128,689,603-128,689,609 gives the same sequence; the c. name uses the placement nearest the transcript's 3' end. VCF-style (leftmost placement, unchanged base first): chr9-128689602-AAGTC-A. GRCh37 (hg19) VCF-style: chr9-131451881-AAGTC-A.
Other names: c.113-1564_113-1561del (NM_001374326.1, NM_001122821.2); c.47-1564_47-1561del (NM_001248000.2); short protein forms S9fs.
Identifiers: ClinVar variation 1806633 (VCV001806633.4), dbSNP rs2490422249, ClinGen allele CA2580079731.